The following is an entry in ClinVar:

ClinVar aggregate classification (germline): Uncertain significance (1 of 4 stars; one submission).

Conditions:
Hereditary cancer-predisposing syndrome. Also called: Hereditary Cancer Syndrome; Hereditary neoplastic syndrome; Neoplastic Syndromes, Hereditary; Tumor predisposition. Identifiers: Orphanet 140162, MedGen C0027672, MeSH D009386, MONDO:0015356.

Submission:

Ambry Genetics
Classification: Uncertain significance for Hereditary cancer-predisposing syndrome. Last evaluated: 2025-08-06. Review status: criteria provided, single submitter. Criteria: Ambry Variant Classification Scheme 2023. Collection method: clinical testing. Allele origin: germline.
Comment: The c.1063-3C>A intronic variant results from a C to A substitution 3 nucleotides upstream from coding exon 7 in the CTNNA1 gene. This nucleotide position is not well conserved in available vertebrate species. In silico splice site analysis predicts that this alteration will not have any significant effect on splicing. Based on the available evidence, the clinical significance of this variant remains unclear.

NM_001903.5(CTNNA1):c.1063-3C>A

Gene: CTNNA1 (catenin alpha 1; plus strand). Cytogenetic location: 5q31.2.
Variant type: single nucleotide variant.
Coding change: c.1063-3C>A on transcript NM_001903.5 (MANE Select); 3 bases into the intron before coding-DNA position 1063, C replaced by A.
Molecular consequence: intron variant.
Genome position (GRCh38, 1-based): chr5:138,886,209, C>A. VCF-style: chr5-138886209-C-A. GRCh37 (hg19) VCF-style: chr5-138221898-C-A.
Other names: c.1063-3C>A (NM_001323982.2, NM_001323984.2, NM_001290307.3 and 3 more transcripts); c.694-3C>A (NM_001290310.3); c.754-3C>A (NM_001290309.3); c.-48-3C>A (NM_001323996.1, NM_001323993.1, NM_001324005.1 and 18 more transcripts); c.-445-3C>A (NM_001324007.1, NM_001324009.1, NM_001324006.1 and 1 more transcripts); c.-320-3C>A (NM_001324013.1); c.-58+10612C>A (NM_001324012.1); c.-61+10612C>A (NM_001324010.1).
Identifiers: ClinVar variation 4235623 (VCV004235623.1).